The following is an entry in ClinVar:

NM_000051.4(ATM):c.5870A>G (p.Tyr1957Cys)

Genes: ATM (ATM serine/threonine kinase; plus strand), C11orf65 (chromosome 11 open reading frame 65; minus strand). Cytogenetic location: 11q22.3.
Variant type: single nucleotide variant.
Coding change: c.5870A>G on transcript NM_000051.4 (MANE Select); coding-DNA position 5870, A replaced by G.
Protein change: p.Tyr1957Cys; replaces tyrosine 1957 with cysteine.
Molecular consequence: missense variant. On other transcripts: intron variant (2).
Genome position (GRCh38, 1-based): chr11:108,310,267, A>G. VCF-style: chr11-108310267-A-G. GRCh37 (hg19) VCF-style: chr11-108180994-A-G.
Other names: c.5870A>G, p.Tyr1957Cys (NM_001351834.2); c.641-1196T>C (NM_001330368.2); c.*39-1196T>C (NM_001351110.2); short protein forms Y1957C.
Identifiers: ClinVar variation 1420863 (VCV001420863.23), dbSNP rs1591746364, ClinGen allele CA382548501.
Genomic context (GRCh38, chr11:108,310,267, plus strand): 5'-ATTATCTAGAAGTTGCCAAGGTAGCTCAGTCTTGTGCTGCTCACTTTACAGCTTTACTCT[A>G]TGCAGAAATCTATGCAGATAAGAAAAGTATGGATGATCAAGAGAAAAGGTAATGGAATTT-3'
Protein context (NP_000042.3, residues 1947-1967): SCAAHFTALL[Tyr1957Cys]AEIYADKKSM

ClinVar aggregate classification (germline): Uncertain significance. Review status: criteria provided, multiple submitters, no conflicts (2 of 4 stars). 4 submissions from 4 submitters: Uncertain significance (4). Last evaluated 2026-08-24.

Conditions:
Familial cancer of breast. Also called: BREAST CANCER, FAMILIAL; Hereditary breast cancer; hereditary breast carcinoma. Identifiers: Orphanet 227535, MedGen C0346153, MONDO:0016419, OMIM 114480. Disease mechanism: loss of function.
Ataxia-telangiectasia syndrome (AT). Also called: Ataxia-telangiectasia; LOUIS-BAR SYNDROME; Ataxia-telangiectasia, complementation group D; AT, COMPLEMENTATION GROUP C; ATAXIA-TELANGIECTASIA, COMPLEMENTATION GROUP A; ATAXIA-TELANGIECTASIA, FRESNO VARIANT. Identifiers: Orphanet 100, MedGen C0004135, MONDO:0008840, OMIM 208900.
Hereditary cancer-predisposing syndrome. Also called: Tumor predisposition; Neoplastic Syndromes, Hereditary; Hereditary Cancer Syndrome; Hereditary neoplastic syndrome. Identifiers: Orphanet 140162, MedGen C0027672, MeSH D009386, MONDO:0015356.

Allele frequency attached by ClinVar (database versions not stated): gnomAD exomes below 0.00001; TOPMed below 0.00001.
gnomAD v4.1: 3 of 1,613,592 alleles (0.00019%); highest among the groups gnomAD compares: Non-Finnish European, 0.00017%; no homozygotes.

Submissions (4):

Ambry Genetics
Classification: Uncertain significance for Hereditary cancer-predisposing syndrome. Last evaluated: 2026-08-24. Review status: criteria provided, single submitter. Criteria: Ambry Variant Classification Scheme 2023. Collection method: clinical testing. Allele origin: germline.
Comment: The p.Y1957C variant (also known as c.5870A>G), located in coding exon 38 of the ATM gene, results from an A to G substitution at nucleotide position 5870. The tyrosine at codon 1957 is replaced by cysteine, an amino acid with highly dissimilar properties. This amino acid position is highly conserved in available vertebrate species. In addition, the in silico prediction for this alteration is inconclusive. Based on the available evidence, the clinical significance of this variant remains unclear.

Labcorp Genetics (formerly Invitae), Labcorp
Classification: Uncertain significance for Ataxia-telangiectasia syndrome. Last evaluated: 2025-10-13. Review status: criteria provided, single submitter. Criteria: Invitae Variant Classification Sherloc (09022015). Collection method: clinical testing. Allele origin: germline.
Comment: This sequence change replaces tyrosine, which is neutral and polar, with cysteine, which is neutral and slightly polar, at codon 1957 of the ATM protein (p.Tyr1957Cys). This variant is not present in population databases (gnomAD no frequency). This variant has not been reported in the literature in individuals affected with ATM-related conditions. ClinVar contains an entry for this variant (Variation ID: 1420863). Invitae Evidence Modeling of protein sequence and biophysical properties (such as structural, functional, and spatial information, amino acid conservation, physicochemical variation, residue mobility, and thermodynamic stability) has been performed for this missense variant. However, the output from this modeling did not meet the statistical confidence thresholds required to predict the impact of this variant on ATM protein function. In summary, the available evidence is currently insufficient to determine the role of this variant in disease. Therefore, it has been classified as a Variant of Uncertain Significance.

CeGaT Center for Human Genetics Tuebingen
Classification: Uncertain significance. Last evaluated: 2025-02-01. Review status: criteria provided, single submitter. Criteria: CeGaT Center For Human Genetics Tuebingen Variant Classification Criteria Version 2. Collection method: clinical testing. Allele origin: germline. Affected: yes. Observed: 1 variant allele.
Comment: ATM: PM2

Baylor Genetics
Classification: Uncertain significance for Familial cancer of breast. Last evaluated: 2023-05-12. Review status: criteria provided, single submitter. Criteria: ACMG Guidelines, 2015. Collection method: clinical testing. Allele origin: unknown.